The following is an entry in ClinVar:

ClinVar aggregate classification (germline): Uncertain significance (0 of 4 stars; one submission).

Conditions:
TBX3-related disorder. Also called: TBX3-related condition.

gnomAD v4.1: 4 of 1,601,310 alleles (0.00025%); highest among the groups gnomAD compares: Middle Eastern, 0.016%; no homozygotes.

Submission:

PreventionGenetics, part of Exact Sciences
Classification: Uncertain significance for TBX3-related condition. Last evaluated: 2023-11-01. Review status: no assertion criteria provided. Collection method: clinical testing. Allele origin: germline.
Comment: The TBX3 c.1327T>G variant is predicted to result in the amino acid substitution p.Ser443Ala. To our knowledge, this variant has not been reported in the literature. This variant is reported in 0.0010% of alleles in individuals of European (Non-Finnish) descent in gnomAD. At this time, the clinical significance of this variant is uncertain due to the absence of conclusive functional and genetic evidence.

NM_005996.4(TBX3):c.1267T>G (p.Ser423Ala)

Gene: TBX3 (T-box transcription factor 3; minus strand). Cytogenetic location: 12q24.21.
Variant type: single nucleotide variant.
Coding change: c.1267T>G on transcript NM_005996.4 (MANE Select); coding-DNA position 1267, T replaced by G.
Protein change: p.Ser423Ala; replaces serine 423 with alanine.
Molecular consequence: missense variant.
Genome position (GRCh38, 1-based): chr12:114,674,608, A>C on the plus strand (T>G on the coding strand, the complement: TBX3 is on the minus strand). VCF-style: chr12-114674608-A-C. GRCh37 (hg19) VCF-style: chr12-115112413-A-C.
Other names: c.1327T>G, p.Ser443Ala (NM_016569.4); short protein forms S423A, S443A.
Identifiers: ClinVar variation 3355377 (VCV003355377.1).
Genomic context (GRCh38, chr12:114,674,608, plus strand): 5'-CTGTGCCCTCGCGAACCGGGCTCCTGCGCTCCTCCGCGCCCAGGCCGCGAGTGCTGGACG[A>C]GATGGTGGCGGGGCTATGGCGTGAGTCGGGCGACGCTTTGTCCAGCCGCCCGCTGTCCCG-3'
Protein context (NP_005987.3, residues 413-433): PDSRHSPATI[Ser423Ala]SSTRGLGAEE